The following is an entry in ClinVar:

ClinVar aggregate classification (germline): Uncertain significance (1 of 4 stars; one submission).

Conditions:
Ullrich congenital muscular dystrophy 2 (UCMD2). Identifiers: Orphanet 75840, MedGen C4225314, MONDO:0014654, OMIM 616470.
Bethlem myopathy 2 (BTHLM2). Identifiers: Orphanet 536516, Orphanet 610, MedGen C4225313, MONDO:0034022, OMIM 616471.

gnomAD v4.1: 1 of 1,605,520 alleles (0.000062%); highest among the groups gnomAD compares: Non-Finnish European, 0.000085%; no homozygotes.

Submission:

Labcorp Genetics (formerly Invitae), Labcorp
Classification: Uncertain significance for Bethlem myopathy 2; Ullrich congenital muscular dystrophy 2. Last evaluated: 2025-11-24. Review status: criteria provided, single submitter. Criteria: Invitae Variant Classification Sherloc (09022015). Collection method: clinical testing. Allele origin: germline.
Comment: This sequence change falls in intron 46 of the COL12A1 gene. It does not directly change the encoded amino acid sequence of the COL12A1 protein. This variant is not present in population databases (gnomAD no frequency). This variant has not been reported in the literature in individuals affected with COL12A1-related conditions. Algorithms developed to predict the effect of sequence changes on RNA splicing suggest that this variant may disrupt the consensus splice site. In summary, the available evidence is currently insufficient to determine the role of this variant in disease. Therefore, it has been classified as a Variant of Uncertain Significance.

NM_004370.6(COL12A1):c.7355-14A>G

Gene: COL12A1 (collagen type XII alpha 1 chain; minus strand). Cytogenetic location: 6q13.
Variant type: single nucleotide variant.
Coding change: c.7355-14A>G on transcript NM_004370.6 (MANE Select); 14 bases into the intron before coding-DNA position 7355, A replaced by G.
Molecular consequence: intron variant.
Genome position (GRCh38, 1-based): chr6:75,117,560, T>C on the plus strand (A>G on the coding strand, the complement: COL12A1 is on the minus strand). VCF-style: chr6-75117560-T-C. GRCh37 (hg19) VCF-style: chr6-75827276-T-C.
Other names: c.3863-14A>G (NM_001424116.1, NM_080645.3); c.7082-14A>G (NM_001424115.1); c.7334-14A>G (NM_001424114.1); c.7355-14A>G (NM_001424113.1).
Identifiers: ClinVar variation 4793921 (VCV004793921.1).
Genomic context (GRCh38, chr6:75,117,560, plus strand): 5'-CTCATTGTAGTCGACATCAGCCACACCAACTACAAAGACACTGAACCCTGCAAAGTAGCA[T>C]TTATAGAATGAATCACGTATCTCTTTTTCTGTCCTTGTTGTTAGAACAATGCAAAAAAAT-3'